The following is an entry in ClinVar:

NM_001621.5(AHR):c.1742_1743delinsAT (p.Ile581Asn)

Gene: AHR (aryl hydrocarbon receptor; plus strand). Cytogenetic location: 7p21.1.
Variant type: Indel.
Coding change: c.1742_1743delinsAT on transcript NM_001621.5 (MANE Select); coding-DNA positions 1742 to 1743, TC replaced by AT.
Protein change: p.Ile581Asn; replaces isoleucine 581 with asparagine.
Molecular consequence: missense variant.
Genome position (GRCh38, 1-based): chr7:17,339,567-17,339,568, TC replaced by AT. VCF-style: chr7-17339567-TC-AT. GRCh37 (hg19) VCF-style: chr7-17379191-TC-AT.
Other names: short protein forms I581N.
Identifiers: ClinVar variation 2093461 (VCV002093461.4), dbSNP rs2534450795, ClinGen allele CA2580076907.
Genomic context (GRCh38, chr7:17,339,567, plus strand): 5'-TTTTCAGAAATGATTTTTCTGGTGAGGTTGACTTCAGAGACATTGACTTAACGGATGAAA[TC>AT]CTGACGTATGTCCAAGATTCTTTAAGTAAGTCTCCCTTCATACCTTCAGATTATCAACAG-3'
Protein context (NP_001612.1, residues 571-591): DFRDIDLTDE[Ile581Asn]LTYVQDSLSK

ClinVar aggregate classification (germline): Uncertain significance (1 of 4 stars; one submission).

Submission:

Labcorp Genetics (formerly Invitae), Labcorp
Classification: Uncertain significance. Last evaluated: 2022-02-05. Review status: criteria provided, single submitter. Criteria: Invitae Variant Classification Sherloc (09022015). Collection method: clinical testing. Allele origin: germline.
Comment: This sequence change replaces isoleucine, which is neutral and non-polar, with asparagine, which is neutral and polar, at codon 581 of the AHR protein (p.Ile581Asn). Information on the frequency of this variant in the gnomAD database is not available, as this variant may be reported differently in the database. This variant has not been reported in the literature in individuals affected with AHR-related conditions. Algorithms developed to predict the effect of missense changes on protein structure and function are either unavailable or do not agree on the potential impact of this missense change (SIFT: "Not Available"; PolyPhen-2: "Probably Damaging"; Align-GVGD: "Not Available"). In summary, the available evidence is currently insufficient to determine the role of this variant in disease. Therefore, it has been classified as a Variant of Uncertain Significance.